The following is an entry in ClinVar:

NM_003954.5(MAP3K14):c.584A>G (p.Gln195Arg)

Gene: MAP3K14 (mitogen-activated protein kinase kinase kinase 14; minus strand). Cytogenetic location: 17q21.31.
Variant type: single nucleotide variant.
Coding change: c.584A>G on transcript NM_003954.5 (MANE Select); coding-DNA position 584, A replaced by G.
Protein change: p.Gln195Arg; replaces glutamine 195 with arginine.
Molecular consequence: missense variant.
Genome position (GRCh38, 1-based): chr17:45,286,999, T>C on the plus strand (A>G on the coding strand, the complement: MAP3K14 is on the minus strand). VCF-style: chr17-45286999-T-C. GRCh37 (hg19) VCF-style: chr17-43364365-T-C.
Other names: short protein forms Q195R.
Identifiers: ClinVar variation 1441816 (VCV001441816.6), dbSNP rs749612705, ClinGen allele CA8614309.

ClinVar aggregate classification (germline): Uncertain significance (1 of 4 stars; one submission).

Conditions:
NIK deficiency. Also called: Primary immunodeficiency with multifaceted aberrant lymphoid immunity. Identifiers: Orphanet 447731, MedGen C5680065, MONDO:0018642.

Allele frequency attached by ClinVar (database versions not stated): gnomAD exomes below 0.00001; ExAC 0.00001.
gnomAD v4.1: 1 of 1,613,904 alleles (0.000062%); highest among the groups gnomAD compares: Non-Finnish European, 0.000085%; no homozygotes.

Submission:

Labcorp Genetics (formerly Invitae), Labcorp
Classification: Uncertain significance for NIK deficiency. Last evaluated: 2023-08-17. Review status: criteria provided, single submitter. Criteria: Invitae Variant Classification Sherloc (09022015). Collection method: clinical testing. Allele origin: germline.
Comment: In summary, the available evidence is currently insufficient to determine the role of this variant in disease. Therefore, it has been classified as a Variant of Uncertain Significance. This sequence change replaces glutamine, which is neutral and polar, with arginine, which is basic and polar, at codon 195 of the MAP3K14 protein (p.Gln195Arg). This variant is present in population databases (rs749612705, gnomAD 0.0009%). This variant has not been reported in the literature in individuals affected with MAP3K14-related conditions. ClinVar contains an entry for this variant (Variation ID: 1441816). Experimental studies and prediction algorithms are not available or were not evaluated, and the functional significance of this variant is currently unknown.